The following is an entry in ClinVar:

NM_015915.5(ATL1):c.408T>C (p.Asp136=)

Gene: ATL1 (atlastin GTPase 1; plus strand). Cytogenetic location: 14q22.1.
Variant type: single nucleotide variant.
Coding change: c.408T>C on transcript NM_015915.5 (MANE Select); coding-DNA position 408, T replaced by C.
Protein change: p.Asp136=; no amino-acid change (aspartic acid 136 retained).
Molecular consequence: synonymous variant.
Genome position (GRCh38, 1-based): chr14:50,591,066, T>C. VCF-style: chr14-50591066-T-C. GRCh37 (hg19) VCF-style: chr14-51057784-T-C.
Other names: c.408T>C, p.Asp136= (NM_001127713.1, NM_181598.4).
Identifiers: ClinVar variation 313293 (VCV000313293.23), dbSNP rs76375909, ClinGen allele CA7180220.

ClinVar aggregate classification (germline): Benign/Likely benign. Review status: criteria provided, multiple submitters, no conflicts (2 of 4 stars). 8 submissions from 7 submitters: Benign (4); Likely benign (3). 1 of the submissions does not count toward it. Last evaluated 2026-04-01.

Conditions:
Neuropathy, hereditary sensory, type 1D. Identifiers: Orphanet 36386, MedGen C3150972, MONDO:0013381, OMIM 613708.
Hereditary spastic paraplegia. Also called: Familial spastic paraparesis. Identifiers: Orphanet 685, MedGen C0037773, MONDO:0019064. Disease mechanism: loss of function.
Hereditary spastic paraplegia 3A (SPG3A). Also called: Spastic paraplegia 3A, autosomal dominant; SPASTIC PARAPLEGIA 3, AUTOSOMAL DOMINANT; FAMILIAL SPASTIC PARAPLEGIA, AUTOSOMAL DOMINANT, 1; SPG3; STRUMPELL DISEASE; Spastic Paraplegia 3A. Identifiers: Orphanet 100984, MedGen C2931355, MONDO:0008437, OMIM 182600.
ATL1-related disorder. Also called: ATL1-related condition.

Allele frequency attached by ClinVar (database versions not stated): gnomAD 0.00041 and 0.00054; gnomAD exomes 0.00041 and 0.00110; TOPMed 0.00046; ExAC 0.00095; 1000 Genomes Project 30x 0.00234; 1000 Genomes Project 0.00260.
gnomAD v4.1: 688 of 1,613,430 alleles (0.043%); highest among the groups gnomAD compares: East Asian, 1.4%; 3 homozygotes.

Submissions (8):

CeGaT Center for Human Genetics Tuebingen
Classification: Likely benign. Last evaluated: 2026-04-01. Review status: criteria provided, single submitter. Criteria: CeGaT Center For Human Genetics Tuebingen Variant Classification Criteria Version 2. Collection method: clinical testing. Allele origin: germline. Affected: yes. Observed: 1 variant allele.
Comment: ATL1: BP4, BP7, BS1

Labcorp Genetics (formerly Invitae), Labcorp
Classification: Benign for Hereditary spastic paraplegia 3A. Last evaluated: 2025-10-10. Review status: criteria provided, single submitter. Criteria: Invitae Variant Classification Sherloc (09022015). Collection method: clinical testing. Allele origin: germline.

Fulgent Genetics
Classification: Likely benign for Hereditary spastic paraplegia 3A; Neuropathy, hereditary sensory, type 1D. Last evaluated: 2022-05-02. Review status: criteria provided, single submitter. Criteria: ACMG Guidelines, 2015. Collection method: clinical testing. Allele origin: unknown.

Genome-Nilou Lab
Classification: Benign for Neuropathy, hereditary sensory, type 1D. Last evaluated: 2021-12-05. Review status: criteria provided, single submitter. Criteria: ACMG Guidelines, 2015. Collection method: clinical testing. Allele origin: germline. Affected: no.

Genome-Nilou Lab
Classification: Benign for Hereditary spastic paraplegia 3A. Last evaluated: 2021-12-05. Review status: criteria provided, single submitter. Criteria: ACMG Guidelines, 2015. Collection method: clinical testing. Allele origin: germline. Affected: no.

Illumina Laboratory Services, Illumina
Classification: Benign for Hereditary spastic paraplegia 3A. Last evaluated: 2018-01-12. Review status: criteria provided, single submitter. Criteria: ICSL Variant Classification Criteria 13 December 2019. Collection method: clinical testing. Allele origin: germline.
Comment: This variant was observed in the ICSL laboratory as part of a predisposition screen in an ostensibly healthy population. It had not been previously curated by ICSL or reported in the Human Gene Mutation Database (HGMD: prior to June 1st, 2018), and was therefore a candidate for classification through an automated scoring system. Utilizing variant allele frequency, disease prevalence and penetrance estimates, and inheritance mode, an automated score was calculated to assess if this variant is too frequent to cause the disease. Based on the score and internal cut-off values, a variant classified as benign is not then subjected to further curation. The score for this variant resulted in a classification of benign for this disease.

Genome Diagnostics Laboratory, The Hospital for Sick Children
Classification: Likely benign for Hereditary spastic paraplegia. Last evaluated: 2016-12-12. Review status: criteria provided, single submitter. Criteria: ACMG Guidelines, 2015. Collection method: clinical testing. Allele origin: germline. Affected: yes.

PreventionGenetics, part of Exact Sciences
Classification: Benign for ATL1-related condition. Last evaluated: 2019-05-29. Review status: no assertion criteria provided. Collection method: clinical testing. Allele origin: germline. Not counted in ClinVar's aggregate classification.
Comment: This variant is classified as benign based on ACMG/AMP sequence variant interpretation guidelines (Richards et al. 2015 PMID: 25741868, with internal and published modifications).